The following is an entry in ClinVar:

NM_003482.4(KMT2D):c.11583_11591dup (p.Gln3861_Gln3863dup)

Gene: KMT2D (lysine methyltransferase 2D; minus strand). Cytogenetic location: 12q13.12.
Variant type: Duplication.
Coding change: c.11583_11591dup on transcript NM_003482.4 (MANE Select); coding-DNA positions 11583 to 11591, 9 bases duplicated (ACAACAGCA; older notation c.11583_11591dupACAACAGCA).
Protein change: p.Gln3861_Gln3863dup.
Molecular consequence: inframe insertion.
Genome position (GRCh38, 1-based): chr12:49,033,114-49,033,122, TGCTGTTGT duplicated on the plus strand (ACAACAGCA on the coding strand, the reverse complement: KMT2D is on the minus strand); duplicating any 9 consecutive bases within chr12:49,033,114-49,033,127 gives the same sequence; the c. name uses the placement nearest the transcript's 3' end. VCF-style (leftmost placement, unchanged base first): chr12-49033113-G-GTGCTGTTGT. GRCh37 (hg19) VCF-style: chr12-49426896-G-GTGCTGTTGT.
Identifiers: ClinVar variation 1466997 (VCV001466997.8), dbSNP rs1943033920, ClinGen allele CA2034946657.

ClinVar aggregate classification (germline): Uncertain significance (1 of 4 stars; one submission).

Conditions:
Kabuki syndrome. Also called: NIIKAWA-KUROKI SYNDROME; Kabuki make-up syndrome. Identifiers: Orphanet 2322, MedGen C0796004, MONDO:0016512.

Submission:

Labcorp Genetics (formerly Invitae), Labcorp
Classification: Uncertain significance for Kabuki syndrome. Last evaluated: 2021-04-03. Review status: criteria provided, single submitter. Criteria: Invitae Variant Classification Sherloc (09022015). Collection method: clinical testing. Allele origin: germline.
Comment: Experimental studies and prediction algorithms are not available or were not evaluated, and the functional significance of this variant is currently unknown. This variant has not been reported in the literature in individuals with KMT2D-related conditions. This variant is not present in population databases (ExAC no frequency). This variant, c.11583_11591dup, results in the insertion of 3 amino acid(s) to the KMT2D protein (p.Gln3861_Gln3863dup), but otherwise preserves the integrity of the reading frame. In summary, the available evidence is currently insufficient to determine the role of this variant in disease. Therefore, it has been classified as a Variant of Uncertain Significance.